The following is an entry in ClinVar:

ClinVar aggregate classification (germline): Conflicting classifications of pathogenicity. Review status: criteria provided, conflicting classifications (1 of 4 stars). 2 submissions from 2 submitters: Likely pathogenic (1); Uncertain significance (1). Last evaluated 2019-07-15.

Conditions:
Houge-Janssens syndrome 3. Also called: NEURODEVELOPMENTAL DISORDER AND LANGUAGE DELAY WITH OR WITHOUT STRUCTURAL BRAIN ABNORMALITIES. Identifiers: MedGen C5193048, MONDO:0032697, OMIM 618354.

Submissions (2):

SIB Swiss Institute of Bioinformatics
Classification: Likely pathogenic for Houge-Janssens syndrome 3. Last evaluated: 2019-07-15. Review status: criteria provided, single submitter. Criteria: ACMG Guidelines, 2015. Collection method: curation. Allele origin: unknown.
Comment: This variant is interpreted as a Likely pathogenic for Neurodevelopmental disorder and language delay with or without structural brain abnormalities, autosomal dominant. The following ACMG Tag(s) were applied: PM2, PM6, PP3, PS3.

GeneDx
Classification: Uncertain significance. Last evaluated: 2016-11-22. Review status: criteria provided, single submitter. Criteria: GeneDx Variant Classification (06012015). Collection method: clinical testing. Allele origin: germline. Affected: yes.
Comment: The R214X variant in the PPP2CA gene has not been reported previously as a pathogenic variant nor as a benign variant, to our knowledge. This variant is predicted to cause loss of normal protein function either through protein truncation or nonsense-mediated mRNA decay. The R214X variant was not observed in approximately 6500 individuals of European and African American ancestry in the NHLBI Exome Sequencing Project, indicating it is not a common benign variant in these populations. We interpret R214X as a variant of uncertain significance.

Literature cited by the submitters: PubMed 30595372 (cited by SIB Swiss Institute of Bioinformatics).

NM_002715.4(PPP2CA):c.640C>T (p.Arg214Ter)

Gene: PPP2CA (protein phosphatase 2 catalytic subunit alpha; minus strand). Cytogenetic location: 5q31.1.
Variant type: single nucleotide variant.
Coding change: c.640C>T on transcript NM_002715.4 (MANE Select); coding-DNA position 640, C replaced by T.
Protein change: p.Arg214Ter; replaces arginine 214 with a stop codon.
Molecular consequence: nonsense. On other transcripts: non-coding transcript variant (1).
Genome position (GRCh38, 1-based): chr5:134,200,433, G>A on the plus strand (C>T on the coding strand, the complement: PPP2CA is on the minus strand). VCF-style: chr5-134200433-G-A. GRCh37 (hg19) VCF-style: chr5-133536124-G-A.
Other names: c.445C>T, p.Arg149Ter (NM_001355019.2); short protein forms R214*, R149*.
Identifiers: ClinVar variation 70140 (VCV000070140.2), dbSNP rs148071386, ClinGen allele CA16040606.
Genomic context (GRCh38, chr5:134,200,433, plus strand): 5'-GGCCATTGGCATGATTAAATGTCTCAGAAATATCTTGCCCAAAGGTGTAACCAGCTCCTC[G>A]AGGAGATATACCCCAACCACCACGGTCATCTGGATCTGACCACAGCAAGTCACACATTGG-3'